The following is an entry in ClinVar:

NM_000949.7(PRLR):c.1454A>C (p.Glu485Ala)

Gene: PRLR (prolactin receptor; minus strand). Cytogenetic location: 5p13.2.
Variant type: single nucleotide variant.
Coding change: c.1454A>C on transcript NM_000949.7 (MANE Select); coding-DNA position 1454, A replaced by C.
Protein change: p.Glu485Ala; replaces glutamic acid 485 with alanine.
Molecular consequence: missense variant. On other transcripts: intron variant (4).
Genome position (GRCh38, 1-based): chr5:35,065,504, T>G on the plus strand (A>C on the coding strand, the complement: PRLR is on the minus strand). VCF-style: chr5-35065504-T-G. GRCh37 (hg19) VCF-style: chr5-35065606-T-G.
Other names: c.1151A>C, p.Glu384Ala (NM_001204314.2); c.685+4620A>C (NM_001204318.1); c.855+2712A>C (NM_001204317.1); c.1009+445A>C (NM_001204316.1); c.1010-128A>C (NM_001204315.1); c.1454A>C (NM_000949.5); short protein forms E384A, E485A.
Identifiers: ClinVar variation 3025965 (VCV003025965.23), dbSNP rs2478240677, ClinGen allele CA359407821.

ClinVar aggregate classification (germline): Uncertain significance. Review status: criteria provided, multiple submitters, no conflicts (2 of 4 stars). 2 submissions from 2 submitters: Uncertain significance (2). Last evaluated 2024-01-01.

gnomAD v4.1: 2 of 1,614,134 alleles (0.00012%); highest among the groups gnomAD compares: Non-Finnish European, 0.00017%; no homozygotes.

Submissions (2):

CeGaT Center for Human Genetics Tuebingen
Classification: Uncertain significance. Last evaluated: 2024-01-01. Review status: criteria provided, single submitter. Criteria: CeGaT Center For Human Genetics Tuebingen Variant Classification Criteria Version 2. Collection method: clinical testing. Allele origin: germline. Affected: yes. Observed: 1 variant allele.
Comment: PRLR: PM2, BP4

Ambry Genetics
Classification: Uncertain significance. Last evaluated: 2023-12-30. Review status: criteria provided, single submitter. Criteria: Ambry Variant Classification Scheme 2023. Collection method: clinical testing. Allele origin: germline.